The following is an entry in ClinVar:

NM_001276270.2(MBD4):c.903T>G (p.Ser301Arg)

Gene: MBD4 (methyl-CpG binding domain 4, DNA glycosylase; minus strand). Cytogenetic location: 3q21.3.
Variant type: single nucleotide variant.
Coding change: c.903T>G on transcript NM_001276270.2 (MANE Select); coding-DNA position 903, T replaced by G.
Protein change: p.Ser301Arg; replaces serine 301 with arginine.
Molecular consequence: missense variant. On other transcripts: intron variant (1).
Genome position (GRCh38, 1-based): chr3:129,436,741, A>C on the plus strand (T>G on the coding strand, the complement: MBD4 is on the minus strand). VCF-style: chr3-129436741-A-C. GRCh37 (hg19) VCF-style: chr3-129155584-A-C.
Other names: c.903T>G, p.Ser301Arg (NM_001276271.2, NM_001276272.2, NM_003925.3); c.247+1067T>G (NM_001276273.2); short protein forms S301R.
Identifiers: ClinVar variation 3870901 (VCV003870901.1).

ClinVar aggregate classification (germline): Uncertain significance (1 of 4 stars; one submission).

Conditions:
Inborn genetic diseases. Identifiers: MedGen C0950123, MeSH D030342.

Submission:

Ambry Genetics
Classification: Uncertain significance for Inborn genetic diseases. Last evaluated: 2025-01-14. Review status: criteria provided, single submitter. Criteria: Ambry Variant Classification Scheme 2023. Collection method: clinical testing. Allele origin: germline.
Comment: The p.S301R variant (also known as c.903T>G), located in coding exon 3 of the MBD4 gene, results from a T to G substitution at nucleotide position 903. The serine at codon 301 is replaced by arginine, an amino acid with dissimilar properties. This amino acid position is conserved. In addition, this alteration is predicted to be tolerated by in silico analysis. Based on the available evidence, the clinical significance of this variant remains unclear.